The following is an entry in ClinVar:

NM_002878.4(RAD51D):c.425C>G (p.Thr142Arg)

Genes: RAD51D (RAD51 paralog D; minus strand), RAD51L3-RFFL (RAD51L3-RFFL readthrough; minus strand). Cytogenetic location: 17q12.
Variant type: single nucleotide variant.
Coding change: c.425C>G on transcript NM_002878.4 (MANE Select); coding-DNA position 425, C replaced by G.
Protein change: p.Thr142Arg; replaces threonine 142 with arginine.
Molecular consequence: missense variant. On other transcripts: non-coding transcript variant (1), intron variant (1).
Genome position (GRCh38, 1-based): chr17:35,107,043, G>C on the plus strand (C>G on the coding strand, the complement: RAD51D is on the minus strand). VCF-style: chr17-35107043-G-C. GRCh37 (hg19) VCF-style: chr17-33434062-G-C.
Other names: c.485C>G, p.Thr162Arg (NM_001142571.2); c.145-562C>G (NM_133629.3); short protein forms T142R, T162R.
Identifiers: ClinVar variation 490141 (VCV000490141.20), dbSNP rs757099471, ClinGen allele CA8499480.

ClinVar aggregate classification (germline): Uncertain significance. Review status: criteria provided, multiple submitters, no conflicts (2 of 4 stars). 4 submissions from 4 submitters: Uncertain significance (4). Last evaluated 2025-12-30.

Conditions:
Familial ovarian cancer. Identifiers: MedGen C5679802, MONDO:0016248.
Breast-ovarian cancer, familial, susceptibility to, 4. Identifiers: Orphanet 145, MedGen C3280345, MONDO:0013669, OMIM 614291.
Hereditary cancer-predisposing syndrome. Also called: Hereditary Cancer Syndrome; Neoplastic Syndromes, Hereditary; Tumor predisposition; Hereditary neoplastic syndrome. Identifiers: Orphanet 140162, MedGen C0027672, MeSH D009386, MONDO:0015356.

Allele frequency attached by ClinVar (database versions not stated): gnomAD exomes below 0.00001 and 0.00001; TOPMed below 0.00001; ExAC 0.00002.
gnomAD v4.1: 2 of 1,614,146 alleles (0.00012%); highest among the groups gnomAD compares: East Asian, 0.0045%; no homozygotes.

Submissions (4):

Labcorp Genetics (formerly Invitae), Labcorp
Classification: Uncertain significance for Breast-ovarian cancer, familial, susceptibility to, 4. Last evaluated: 2025-12-30. Review status: criteria provided, single submitter. Criteria: Invitae Variant Classification Sherloc (09022015). Collection method: clinical testing. Allele origin: germline.
Comment: This sequence change replaces threonine, which is neutral and polar, with arginine, which is basic and polar, at codon 142 of the RAD51D protein (p.Thr142Arg). This variant is present in population databases (rs757099471, gnomAD 0.02%). This variant has not been reported in the literature in individuals affected with RAD51D-related conditions. ClinVar contains an entry for this variant (Variation ID: 490141). Invitae Evidence Modeling of protein sequence and biophysical properties (such as structural, functional, and spatial information, amino acid conservation, physicochemical variation, residue mobility, and thermodynamic stability) indicates that this missense variant is not expected to disrupt RAD51D protein function with a negative predictive value of 80%. In summary, the available evidence is currently insufficient to determine the role of this variant in disease. Therefore, it has been classified as a Variant of Uncertain Significance.

Molecular Pathology, Peter Maccallum Cancer Centre
Classification: Uncertain significance for Familial ovarian cancer. Last evaluated: 2024-12-04. Review status: criteria provided, single submitter. Criteria: ACMG Guidelines, 2015. Collection method: clinical testing. Allele origin: germline. Inheritance: Autosomal dominant inheritance.

Ambry Genetics
Classification: Uncertain significance for Hereditary cancer-predisposing syndrome. Last evaluated: 2023-11-19. Review status: criteria provided, single submitter. Criteria: Ambry Variant Classification Scheme 2023. Collection method: clinical testing. Allele origin: germline.
Comment: The p.T142R variant (also known as c.425C>G), located in coding exon 5 of the RAD51D gene, results from a C to G substitution at nucleotide position 425. The threonine at codon 142 is replaced by arginine, an amino acid with similar properties. This amino acid position is well conserved in available vertebrate species. In addition, this alteration is predicted to be deleterious by in silico analysis. Since supporting evidence is limited at this time, the clinical significance of this alteration remains unclear.

Color Diagnostics, LLC DBA Color Health
Classification: Uncertain significance for Hereditary cancer-predisposing syndrome. Last evaluated: 2023-09-19. Review status: criteria provided, single submitter. Criteria: ACMG Guidelines, 2015. Collection method: clinical testing. Allele origin: germline.
Comment: This missense variant replaces threonine with arginine at codon 142 of the RAD51D protein. Computational prediction suggests that this variant may not impact protein structure and function (internally defined REVEL score threshold <= 0.5, PMID: 27666373). Splice site prediction tools suggest that this variant may not impact RNA splicing. To our knowledge, functional studies have not been reported for this variant. This variant has been detected in a breast cancer case-control meta-analysis in 1/60466 cases and 0/53461 unaffected individuals (PMID: 33471991; Leiden Open Variation Database DB-ID RAD51D_000143). This variant has been identified in 3/251472 chromosomes in the general population by the Genome Aggregation Database (gnomAD). The available evidence is insufficient to determine the role of this variant in disease conclusively. Therefore, this variant is classified as a Variant of Uncertain Significance.

Literature cited by the submitters: PubMed 33471991 (cited by Color Diagnostics, LLC DBA Color Health).